The following is an entry in ClinVar:

ClinVar aggregate classification (germline): Uncertain significance (1 of 4 stars; one submission).

Submission:

Labcorp Genetics (formerly Invitae), Labcorp
Classification: Uncertain significance. Last evaluated: 2020-11-24. Review status: criteria provided, single submitter. Criteria: Invitae Variant Classification Sherloc (09022015). Collection method: clinical testing. Allele origin: germline.
Comment: This sequence change replaces leucine with valine at codon 336 of the GEN1 protein (p.Leu336Val). The leucine residue is highly conserved and there is a small physicochemical difference between leucine and valine. This variant is not present in population databases (ExAC no frequency). This variant has not been reported in the literature in individuals with GEN1-related conditions. Algorithms developed to predict the effect of missense changes on protein structure and function are either unavailable or do not agree on the potential impact of this missense change (SIFT: "Tolerated"; PolyPhen-2: "Possibly Damaging"; Align-GVGD: "Class C0"). In summary, the available evidence is currently insufficient to determine the role of this variant in disease. Therefore, it has been classified as a Variant of Uncertain Significance.

NM_001130009.3(GEN1):c.1006C>G (p.Leu336Val)

Gene: GEN1 (GEN1 structure-specific endonuclease; plus strand). Cytogenetic location: 2p24.2.
Variant type: single nucleotide variant.
Coding change: c.1006C>G on transcript NM_001130009.3 (MANE Select); coding-DNA position 1006, C replaced by G.
Protein change: p.Leu336Val; replaces leucine 336 with valine.
Molecular consequence: missense variant.
Genome position (GRCh38, 1-based): chr2:17,773,234, C>G. VCF-style: chr2-17773234-C-G. GRCh37 (hg19) VCF-style: chr2-17954501-C-G.
Other names: c.1006C>G, p.Leu336Val (NM_182625.5); short protein forms L336V.
Identifiers: ClinVar variation 1446035 (VCV001446035.8), dbSNP rs2125149108, ClinGen allele CA345918362.